The following is an entry in ClinVar:

ClinVar aggregate classification (germline): Uncertain significance (1 of 4 stars; one submission).

Conditions:
Duchenne muscular dystrophy (DMD). Also called: Duchenne Muscular Dystrophy (DMD); MUSCULAR DYSTROPHY, PSEUDOHYPERTROPHIC PROGRESSIVE, DUCHENNE TYPE. Identifiers: Orphanet 98896, MedGen C0013264, MONDO:0010679, OMIM 310200.

Submission:

Labcorp Genetics (formerly Invitae), Labcorp
Classification: Uncertain significance for Duchenne muscular dystrophy. Last evaluated: 2025-10-29. Review status: criteria provided, single submitter. Criteria: Invitae Variant Classification Sherloc (09022015). Collection method: clinical testing. Allele origin: germline.
Comment: This sequence change replaces methionine, which is neutral and non-polar, with threonine, which is neutral and polar, at codon 1483 of the DMD protein (p.Met1483Thr). This variant is not present in population databases (gnomAD no frequency). This variant has not been reported in the literature in individuals affected with DMD-related conditions. Invitae Evidence Modeling of protein sequence and biophysical properties (such as structural, functional, and spatial information, amino acid conservation, physicochemical variation, residue mobility, and thermodynamic stability) indicates that this missense variant is not expected to disrupt DMD protein function with a negative predictive value of 95%. In summary, the available evidence is currently insufficient to determine the role of this variant in disease. Therefore, it has been classified as a Variant of Uncertain Significance.

NM_004006.3(DMD):c.4448T>C (p.Met1483Thr)

Gene: DMD (dystrophin; minus strand). Cytogenetic location: Xp21.1.
Variant type: single nucleotide variant.
Coding change: c.4448T>C on transcript NM_004006.3 (MANE Select); coding-DNA position 4448, T replaced by C.
Protein change: p.Met1483Thr; replaces methionine 1483 with threonine.
Molecular consequence: missense variant.
Genome position (GRCh38, 1-based): chrX:32,389,571, A>G on the plus strand (T>C on the coding strand, the complement: DMD is on the minus strand). VCF-style: chrX-32389571-A-G. GRCh37 (hg19) VCF-style: chrX-32407688-A-G.
Other names: c.4424T>C, p.Met1475Thr (NM_000109.4); c.4436T>C, p.Met1479Thr (NM_004009.3); c.4079T>C, p.Met1360Thr (NM_004010.3); c.425T>C, p.Met142Thr (NM_004011.4); c.416T>C, p.Met139Thr (NM_004012.4); short protein forms M1360T, M139T, M142T, M1475T, M1479T, M1483T.
Identifiers: ClinVar variation 4811927 (VCV004811927.1).
Genomic context (GRCh38, chrX:32,389,571, plus strand): 5'-TTTAGCTGTGACTGTACTACTTCCTGTTCCACACTCTTTGTTTCCAATGCAGGCAAGTGC[A>G]TCTTCACTTCATCTAAAATCATCTTACTTTCTTGTAGACGCTGCTCAAAATTGGCTGGTT-3'
Protein context (NP_003997.2, residues 1473-1493): ESKMILDEVK[Met1483Thr]HLPALETKSV